The following is an entry in ClinVar:

ClinVar aggregate classification (germline): Likely benign (1 of 4 stars; one submission).

Submission:

CeGaT Center for Human Genetics Tuebingen
Classification: Likely benign. Last evaluated: 2024-11-01. Review status: criteria provided, single submitter. Criteria: CeGaT Center For Human Genetics Tuebingen Variant Classification Criteria Version 2. Collection method: clinical testing. Allele origin: germline. Affected: yes. Observed: 1 variant allele.
Comment: PLEKHG4: PM2:Supporting, BP4, BP7

NM_001129729.3(PLEKHG4):c.735A>C (p.Ala245=)

Gene: PLEKHG4 (pleckstrin homology and RhoGEF domain containing G4; plus strand). Cytogenetic location: 16q22.1.
Variant type: single nucleotide variant.
Coding change: c.735A>C on transcript NM_001129729.3 (MANE Select); coding-DNA position 735, A replaced by C.
Protein change: p.Ala245=; no amino-acid change (alanine 245 retained).
Molecular consequence: synonymous variant.
Genome position (GRCh38, 1-based): chr16:67,281,106, A>C. VCF-style: chr16-67281106-A-C. GRCh37 (hg19) VCF-style: chr16-67315009-A-C.
Other names: c.735A>C, p.Ala245= (NM_001129727.3, NM_001129728.2); c.492A>C, p.Ala164= (NM_001129731.3).
Identifiers: ClinVar variation 3389194 (VCV003389194.14).